The following is an entry in ClinVar:

NM_003072.5(SMARCA4):c.4686G>C (p.Gln1562His)

Gene: SMARCA4 (SWI/SNF related BAF chromatin remodeling complex subunit ATPase 4; plus strand). Cytogenetic location: 19p13.2.
Variant type: single nucleotide variant.
Coding change: c.4686G>C on transcript NM_003072.5 (MANE Select); coding-DNA position 4686, G replaced by C.
Protein change: p.Gln1562His; replaces glutamine 1562 with histidine.
Molecular consequence: missense variant. On other transcripts: non-coding transcript variant (1).
Genome position (GRCh38, 1-based): chr19:11,059,803, G>C. VCF-style: chr19-11059803-G-C. GRCh37 (hg19) VCF-style: chr19-11170479-G-C.
Other names: c.4686G>C, p.Gln1562His (NM_001128844.3); c.4596G>C, p.Gln1532His (NM_001128845.2); c.4593G>C, p.Gln1531His (NM_001128846.2); c.4587G>C, p.Gln1529His (NM_001128847.4, NM_001374457.1); c.4584G>C, p.Gln1528His (NM_001128848.2); c.4782G>C, p.Gln1594His (NM_001128849.3); short protein forms Q1531H, Q1562H, Q1594H, Q1528H, Q1529H, Q1532H.
Identifiers: ClinVar variation 825169 (VCV000825169.16), dbSNP rs1600643911, ClinGen allele CA404079344.

ClinVar aggregate classification (germline): Uncertain significance. Review status: criteria provided, multiple submitters, no conflicts (2 of 4 stars). 3 submissions from 3 submitters: Uncertain significance (3). Last evaluated 2021-07-15.

Conditions:
Intellectual disability, autosomal dominant 16 (CSS4). Also called: COFFIN-SIRIS SYNDROME 4. Identifiers: Orphanet 1465, MedGen C3553249, MONDO:0013821, OMIM 614609.
Rhabdoid tumor predisposition syndrome 2 (RTPS2). Identifiers: Orphanet 231108, Orphanet 69077, MedGen C2750074, MONDO:0013224, OMIM 613325.
Hereditary cancer-predisposing syndrome. Also called: Neoplastic Syndromes, Hereditary; Tumor predisposition; Hereditary neoplastic syndrome; Hereditary Cancer Syndrome. Identifiers: Orphanet 140162, MedGen C0027672, MeSH D009386, MONDO:0015356.

gnomAD v4.1: 1 of 1,610,716 alleles (0.000062%); no homozygotes.

Submissions (3):

Genome-Nilou Lab
Classification: Uncertain significance for Intellectual disability, autosomal dominant 16. Last evaluated: 2021-07-15. Review status: criteria provided, single submitter. Criteria: ACMG Guidelines, 2015. Collection method: clinical testing. Allele origin: germline. Affected: no.

Labcorp Genetics (formerly Invitae), Labcorp
Classification: Uncertain significance for Rhabdoid tumor predisposition syndrome 2. Last evaluated: 2019-12-27. Review status: criteria provided, single submitter. Criteria: Invitae Variant Classification Sherloc (09022015). Collection method: clinical testing. Allele origin: germline.
Comment: Algorithms developed to predict the effect of missense changes on protein structure and function are either unavailable or do not agree on the potential impact of this missense change (SIFT: "Deleterious"; PolyPhen-2: "Benign"; Align-GVGD: "Class C0"). In summary, the available evidence is currently insufficient to determine the role of this variant in disease. Therefore, it has been classified as a Variant of Uncertain Significance. This variant has not been reported in the literature in individuals with SMARCA4-related conditions. This variant is not present in population databases (ExAC no frequency). This sequence change replaces glutamine with histidine at codon 1594 of the SMARCA4 protein (p.Gln1594His). The glutamine residue is highly conserved and there is a small physicochemical difference between glutamine and histidine.

Ambry Genetics
Classification: Uncertain significance for Hereditary cancer-predisposing syndrome. Last evaluated: 2019-05-02. Review status: criteria provided, single submitter. Criteria: Ambry Variant Classification Scheme 2023. Collection method: clinical testing. Allele origin: germline.
Comment: The p.Q1594H variant (also known as c.4782G>C), located in coding exon 33 of the SMARCA4 gene, results from a G to C substitution at nucleotide position 4782. The glutamine at codon 1594 is replaced by histidine, an amino acid with highly similar properties. This amino acid position is highly conserved in available vertebrate species. In addition, this alteration is predicted to be tolerated by in silico analysis. Since supporting evidence is limited at this time, the clinical significance of this alteration remains unclear.